The following is an entry in ClinVar:

NM_001130144.3(LTBP3):c.3337G>A (p.Val1113Met)

Genes: LTBP3 (latent transforming growth factor beta binding protein 3; minus strand), LOC130006027 (ATAC-STARR-seq lymphoblastoid silent region 3530; plus strand). Cytogenetic location: 11q13.1.
Variant type: single nucleotide variant.
Coding change: c.3337G>A on transcript NM_001130144.3 (MANE Select); coding-DNA position 3337, G replaced by A.
Protein change: p.Val1113Met; replaces valine 1113 with methionine.
Molecular consequence: missense variant. On other transcripts: intron variant (2).
Genome position (GRCh38, 1-based): chr11:65,540,061, C>T on the plus strand (G>A on the coding strand, the complement: LTBP3 is on the minus strand). VCF-style: chr11-65540061-C-T. GRCh37 (hg19) VCF-style: chr11-65307532-C-T.
Other names: c.2894-180G>A (NM_001164266.1); c.3245-180G>A (NM_021070.4); short protein forms V1113M.
Identifiers: ClinVar variation 1714258 (VCV001714258.6), dbSNP rs1404191221, ClinGen allele CA381267109.

ClinVar aggregate classification (germline): Uncertain significance (1 of 4 stars; one submission).

Conditions:
Brachyolmia-amelogenesis imperfecta syndrome. Also called: PLATYSPONDYLY WITH AMELOGENESIS IMPERFECTA; Tooth agenesis, selective, 6; Dental anomalies and short stature. Identifiers: Orphanet 2899, MedGen C1832594, MONDO:0011018, OMIM 601216. Disease mechanism: loss of function.

Submission:

Labcorp Genetics (formerly Invitae), Labcorp
Classification: Uncertain significance for Brachyolmia-amelogenesis imperfecta syndrome. Last evaluated: 2023-07-10. Review status: criteria provided, single submitter. Criteria: Invitae Variant Classification Sherloc (09022015). Collection method: clinical testing. Allele origin: germline.
Comment: In summary, the available evidence is currently insufficient to determine the role of this variant in disease. Therefore, it has been classified as a Variant of Uncertain Significance. An algorithm developed to predict the effect of missense changes on protein structure and function (PolyPhen-2) suggests that this variant is likely to be tolerated. ClinVar contains an entry for this variant (Variation ID: 1714258). This variant has not been reported in the literature in individuals affected with LTBP3-related conditions. This variant is not present in population databases (gnomAD no frequency). This sequence change replaces valine, which is neutral and non-polar, with methionine, which is neutral and non-polar, at codon 1113 of the LTBP3 protein (p.Val1113Met).